The following is an entry in ClinVar:

ClinVar aggregate classification (germline): Uncertain significance (1 of 4 stars; one submission).

Submission:

Ambry Genetics
Classification: Uncertain significance. Last evaluated: 2021-12-03. Review status: criteria provided, single submitter. Criteria: Ambry Variant Classification Scheme 2023. Collection method: clinical testing. Allele origin: germline.
Comment: The p.S904Y variant (also known as c.2711C>A), located in coding exon 1 of the MLH3 gene, results from a C to A substitution at nucleotide position 2711. The serine at codon 904 is replaced by tyrosine, an amino acid with dissimilar properties. This amino acid position is conserved. In addition, this alteration is predicted to be tolerated by in silico analysis. Since supporting evidence is limited at this time, the clinical significance of this alteration remains unclear.

NM_001040108.2(MLH3):c.2711C>A (p.Ser904Tyr)

Gene: MLH3 (mutL homolog 3; minus strand). Cytogenetic location: 14q24.3.
Variant type: single nucleotide variant.
Coding change: c.2711C>A on transcript NM_001040108.2 (MANE Select); coding-DNA position 2711, C replaced by A.
Protein change: p.Ser904Tyr; replaces serine 904 with tyrosine.
Molecular consequence: missense variant.
Genome position (GRCh38, 1-based): chr14:75,046,945, G>T on the plus strand (C>A on the coding strand, the complement: MLH3 is on the minus strand). VCF-style: chr14-75046945-G-T. GRCh37 (hg19) VCF-style: chr14-75513648-G-T.
Other names: c.2711C>A, p.Ser904Tyr (NM_014381.3); short protein forms S904Y.
Identifiers: ClinVar variation 1795078 (VCV001795078.2), dbSNP rs2139557134, ClinGen allele CA390438923.